The following is an entry in ClinVar:

NM_004076.5(CRYBB3):c.337C>G (p.His113Asp)

Gene: CRYBB3 (crystallin beta B3; plus strand). Cytogenetic location: 22q11.23.
Variant type: single nucleotide variant.
Coding change: c.337C>G on transcript NM_004076.5 (MANE Select); coding-DNA position 337, C replaced by G.
Protein change: p.His113Asp; replaces histidine 113 with aspartic acid.
Molecular consequence: missense variant.
Genome position (GRCh38, 1-based): chr22:25,205,229, C>G. VCF-style: chr22-25205229-C-G. GRCh37 (hg19) VCF-style: chr22-25601196-C-G.
Other names: short protein forms H113D.
Identifiers: ClinVar variation 259229 (VCV000259229.24), dbSNP rs9608378, ClinGen allele CA10157770.

ClinVar aggregate classification (germline): Benign. Review status: criteria provided, multiple submitters, no conflicts (2 of 4 stars). 7 submissions from 7 submitters: Benign (5). 2 of the submissions do not count toward it. Last evaluated 2026-01-28.

Conditions:
Cataract 22 multiple types. Also called: CATARACT 22, NUCLEAR, AUTOSOMAL RECESSIVE; CATARACT 22, MULTIPLE TYPES, AUTOSOMAL DOMINANT; Cataract 22. Identifiers: Orphanet 91492, MedGen C1857853, MONDO:0012336, OMIM 609741.

Allele frequency attached by ClinVar (database versions not stated): ESP Exome Variant Server 0.57543; gnomAD 0.58489; TOPMed 0.59875; ExAC 0.65576; 1000 Genomes Project 30x 0.65709; gnomAD exomes 0.66267; 1000 Genomes Project 0.66414.
gnomAD v4.1: 1,020,256 of 1,613,446 alleles (63%); highest among the groups gnomAD compares: East Asian, 92%; 326,771 homozygotes.

Submissions (7):

Labcorp Genetics (formerly Invitae), Labcorp
Classification: Benign for Cataract 22 multiple types. Last evaluated: 2026-01-28. Review status: criteria provided, single submitter. Criteria: Invitae Variant Classification Sherloc (09022015). Collection method: clinical testing. Allele origin: germline.

Genome-Nilou Lab
Classification: Benign for Cataract 22 multiple types. Last evaluated: 2021-07-30. Review status: criteria provided, single submitter. Criteria: ACMG Guidelines, 2015. Collection method: clinical testing. Allele origin: germline. Affected: no.

GeneDx
Classification: Benign. Last evaluated: 2018-03-24. Review status: criteria provided, single submitter. Criteria: GeneDx Variant Classification (06012015). Collection method: clinical testing. Allele origin: germline. Affected: yes.
Comment: This variant is considered likely benign or benign based on one or more of the following criteria: it is a conservative change, it occurs at a poorly conserved position in the protein, it is predicted to be benign by multiple in silico algorithms, and/or has population frequency not consistent with disease.

Breakthrough Genomics
Classification: Benign. Review status: criteria provided, single submitter. Criteria: ACMG Guidelines, 2015. Collection method: not provided. Allele origin: germline. Inheritance: Autosomal dominant inheritance. Affected: yes.

PreventionGenetics, part of Exact Sciences
Classification: Benign. Review status: criteria provided, single submitter. Criteria: ACMG Guidelines, 2015. Collection method: clinical testing. Allele origin: germline.

Diagnostic Laboratory, Department of Genetics, University Medical Center Groningen
Classification: Benign. Review status: no assertion criteria provided. Collection method: clinical testing. Allele origin: germline. Affected: yes. Study: VKGL Data-share Consensus. Not counted in ClinVar's aggregate classification.

Joint Genome Diagnostic Labs from Nijmegen and Maastricht, Radboudumc and MUMC+
Classification: Benign. Review status: no assertion criteria provided. Collection method: clinical testing. Allele origin: germline. Affected: yes. Study: VKGL Data-share Consensus. Not counted in ClinVar's aggregate classification.